The following is an entry in ClinVar:

NM_021625.5(TRPV4):c.1491+86C>G

Gene: TRPV4 (transient receptor potential cation channel subfamily V member 4; minus strand). Cytogenetic location: 12q24.11.
Variant type: single nucleotide variant.
Coding change: c.1491+86C>G on transcript NM_021625.5 (MANE Select); 86 bases into the intron after coding-DNA position 1491, C replaced by G.
Molecular consequence: intron variant.
Genome position (GRCh38, 1-based): chr12:109,794,243, G>C on the plus strand (C>G on the coding strand, the complement: TRPV4 is on the minus strand). VCF-style: chr12-109794243-G-C. GRCh37 (hg19) VCF-style: chr12-110232048-G-C.
Other names: c.1170+86C>G (NM_001177433.1); c.1350+86C>G (NM_001177428.1); c.1311+86C>G (NM_147204.2); c.1389+86C>G (NM_001177431.1).
Identifiers: ClinVar variation 674434 (VCV000674434.2), dbSNP rs56214813, ClinGen allele CA243463682.
Genomic context (GRCh38, chr12:109,794,243, plus strand): 5'-GGATGCTGGAGGGCGCCTCCCCAACCTGTTCCTAAACCTTCTCCGGGTCCCCCTACAGGG[G>C]ACCCAGAAGGATGAGGTTGTGCCCCAGTCCTGCATGGCTCAGCCCAGTGCCTGCCCCAGC-3'

ClinVar aggregate classification (germline): Benign. Review status: criteria provided, multiple submitters, no conflicts (2 of 4 stars). 2 submissions from 2 submitters: Benign (2). Last evaluated 2018-06-19.

Allele frequency attached by ClinVar (database versions not stated): 1000 Genomes Project 30x 0.03545; gnomAD 0.02975; 1000 Genomes Project 0.03295; TOPMed 0.03523.
gnomAD v4.1: 9,337 of 1,552,838 alleles (0.6%); highest among the groups gnomAD compares: African/African-American, 11%; 499 homozygotes.

Submissions (2):

GeneDx
Classification: Benign. Last evaluated: 2018-06-19. Review status: criteria provided, single submitter. Criteria: GeneDx Variant Classification (06012015). Collection method: clinical testing. Allele origin: germline. Affected: yes.
Comment: This variant is considered likely benign or benign based on one or more of the following criteria: it is a conservative change, it occurs at a poorly conserved position in the protein, it is predicted to be benign by multiple in silico algorithms, and/or has population frequency not consistent with disease.

Breakthrough Genomics
Classification: Benign. Review status: criteria provided, single submitter. Criteria: ACMG Guidelines, 2015. Collection method: not provided. Allele origin: germline. Inheritance: Autosomal dominant inheritance. Affected: yes.